The following is an entry in ClinVar:

ClinVar aggregate classification (germline): Uncertain significance. Review status: criteria provided, multiple submitters, no conflicts (2 of 4 stars). 2 submissions from 2 submitters: Uncertain significance (2). Last evaluated 2024-10-22.

Conditions:
Fatty acyl-CoA reductase 1 deficiency. Also called: Peroxisomal fatty acyl-coa reductase 1 disorder. Identifiers: Orphanet 438178, MedGen C4015344, MONDO:0014510, OMIM 616154.

Allele frequency attached by ClinVar (database versions not stated): gnomAD exomes below 0.00001; TOPMed below 0.00001.
gnomAD v4.1: 1 of 1,613,972 alleles (0.000062%); highest among the groups gnomAD compares: Admixed American, 0.0017%; no homozygotes.

Submissions (2):

Labcorp Genetics (formerly Invitae), Labcorp
Classification: Uncertain significance. Last evaluated: 2024-10-22. Review status: criteria provided, single submitter. Criteria: Invitae Variant Classification Sherloc (09022015). Collection method: clinical testing. Allele origin: germline.
Comment: This sequence change replaces glycine, which is neutral and non-polar, with serine, which is neutral and polar, at codon 20 of the FAR1 protein (p.Gly20Ser). The frequency data for this variant in the population databases is considered unreliable, as metrics indicate poor data quality at this position in the gnomAD database. This variant has not been reported in the literature in individuals affected with FAR1-related conditions. ClinVar contains an entry for this variant (Variation ID: 1333446). Invitae Evidence Modeling of protein sequence and biophysical properties (such as structural, functional, and spatial information, amino acid conservation, physicochemical variation, residue mobility, and thermodynamic stability) indicates that this missense variant is expected to disrupt FAR1 protein function with a positive predictive value of 80%. In summary, the available evidence is currently insufficient to determine the role of this variant in disease. Therefore, it has been classified as a Variant of Uncertain Significance.

3billion
Classification: Uncertain significance for Fatty acyl-CoA reductase 1 deficiency. Last evaluated: 2022-01-03. Review status: criteria provided, single submitter. Criteria: ACMG Guidelines, 2015. Collection method: clinical testing. Allele origin: germline. Affected: yes. Observed: 1 homozygote.
Comment: The variant is observed at an extremely low frequency in the gnomAD v2.1.1 dataset (total allele frequency: 0.000004, PM2_M). In silico tool predictions suggest damaging effect of the variant on gene or gene product (REVEL: 0.957, 3CNET: 0.862, PP3_P). A missense variant is a common mechanism associated with Peroxisomal fatty acyl-CoA reductase 1 disorder (PP2_P). Therefore, this variant is classified as uncertain significance according to the recommendation of ACMG/AMP guideline.

NM_032228.6(FAR1):c.58G>A (p.Gly20Ser)

Gene: FAR1 (fatty acyl-CoA reductase 1; plus strand). Cytogenetic location: 11p15.3.
Variant type: single nucleotide variant.
Coding change: c.58G>A on transcript NM_032228.6 (MANE Select); coding-DNA position 58, G replaced by A.
Protein change: p.Gly20Ser; replaces glycine 20 with serine.
Molecular consequence: missense variant.
Genome position (GRCh38, 1-based): chr11:13,694,823, G>A. VCF-style: chr11-13694823-G-A. GRCh37 (hg19) VCF-style: chr11-13716370-G-A.
Other names: short protein forms G20S.
Identifiers: ClinVar variation 1333446 (VCV001333446.4), dbSNP rs1405931040, ClinGen allele CA379856011.